The following is an entry in ClinVar:

ClinVar aggregate classification (germline): Pathogenic (1 of 4 stars; one submission).

Allele frequency attached by ClinVar (database versions not stated): ExAC 0.00001; ESP Exome Variant Server 0.00008.
gnomAD v4.1: 4 of 1,614,092 alleles (0.00025%); highest among the groups gnomAD compares: Non-Finnish European, 0.00017%; no homozygotes.

Submission:

Labcorp Genetics (formerly Invitae), Labcorp
Classification: Pathogenic. Last evaluated: 2022-05-29. Review status: criteria provided, single submitter. Criteria: Invitae Variant Classification Sherloc (09022015). Collection method: clinical testing. Allele origin: germline.
Comment: This sequence change creates a premature translational stop signal (p.Glu57*) in the CD55 gene. It is expected to result in an absent or disrupted protein product. Loss-of-function variants in CD55 are known to be pathogenic (PMID: 28657829, 28657861). This variant is present in population databases (rs369907962, gnomAD 0.002%). This variant has not been reported in the literature in individuals affected with CD55-related conditions. For these reasons, this variant has been classified as Pathogenic.

Literature cited by the submitters: PubMed 28657829; PubMed 28657861.

NM_000574.5(CD55):c.169G>T (p.Glu57Ter)

Gene: CD55 (CD55 molecule (Cromer blood group); plus strand). Cytogenetic location: 1q32.2.
Variant type: single nucleotide variant.
Coding change: c.169G>T on transcript NM_000574.5 (MANE Select); coding-DNA position 169, G replaced by T.
Protein change: p.Glu57Ter; replaces glutamic acid 57 with a stop codon.
Molecular consequence: nonsense. On other transcripts: non-coding transcript variant (1).
Genome position (GRCh38, 1-based): chr1:207,322,450, G>T. VCF-style: chr1-207322450-G-T. GRCh37 (hg19) VCF-style: chr1-207495795-G-T.
Other names: c.169G>T, p.Glu57Ter (NM_001114752.3, NM_001300902.2, NM_001300903.2 and 1 more transcripts); short protein forms E57*.
Identifiers: ClinVar variation 1954302 (VCV001954302.5), dbSNP rs369907962, ClinGen allele CA1367917.